The following is an entry in ClinVar:

ClinVar aggregate classification (germline): Benign. Review status: criteria provided, multiple submitters, no conflicts (2 of 4 stars). 3 submissions from 2 submitters: Benign (3). Last evaluated 2018-01-13.

Conditions:
Hypothyroidism due to TSH receptor mutations. Also called: HYPOTHYROIDISM DUE TO UNRESPONSIVENESS TO THYROTROPIN; HYPOTHYROIDISM, CONGENITAL, DUE TO TSH RESISTANCE; HYPOTHYROIDISM, NONAUTOIMMUNE; THYROID-STIMULATING HORMONE, RESISTANCE TO; TSH RESISTANCE; Hypothyroidism, congenital, nongoitrous, 1. Identifiers: Orphanet 90673, MedGen C3493776, MONDO:0010142, OMIM 275200.
Familial hyperthyroidism due to mutations in TSH receptor. Also called: HYPERTHYROIDISM, CONGENITAL NONAUTOIMMUNE; HYPERTHYROIDISM, NONAUTOIMMUNE, AUTOSOMAL DOMINANT; TOXIC THYROID HYPERPLASIA, AUTOSOMAL DOMINANT. Identifiers: Orphanet 424, MedGen C1836706, MONDO:0012203, OMIM 609152.

Allele frequency attached by ClinVar (database versions not stated): 1000 Genomes Project 30x 0.29325; 1000 Genomes Project 0.29353; gnomAD 0.38844 and 0.39155; TOPMed 0.39199; gnomAD exomes 0.42885.
gnomAD v4.1: 93,830 of 232,640 alleles (40%); highest among the groups gnomAD compares: Non-Finnish European, 49%; 20,867 homozygotes.

Submissions (3):

Illumina Laboratory Services, Illumina
Classification: Benign for Familial hyperthyroidism due to mutations in TSH receptor. Last evaluated: 2018-01-13. Review status: criteria provided, single submitter. Criteria: ICSL Variant Classification Criteria 13 December 2019. Collection method: clinical testing. Allele origin: germline.
Comment: This variant was observed in the ICSL laboratory as part of a predisposition screen in an ostensibly healthy population. It had not been previously curated by ICSL or reported in the Human Gene Mutation Database (HGMD: prior to June 1st, 2018), and was therefore a candidate for classification through an automated scoring system. Utilizing variant allele frequency, disease prevalence and penetrance estimates, and inheritance mode, an automated score was calculated to assess if this variant is too frequent to cause the disease. Based on the score and internal cut-off values, a variant classified as benign is not then subjected to further curation. The score for this variant resulted in a classification of benign for this disease.

Illumina Laboratory Services, Illumina
Classification: Benign for Hypothyroidism due to TSH receptor mutations. Last evaluated: 2018-01-13. Review status: criteria provided, single submitter. Criteria: ICSL Variant Classification Criteria 13 December 2019. Collection method: clinical testing. Allele origin: germline.
Comment: the same text as in the submission from Illumina Laboratory Services, Illumina above.

Breakthrough Genomics
Classification: Benign. Review status: criteria provided, single submitter. Criteria: ACMG Guidelines, 2015. Collection method: not provided. Allele origin: germline. Inheritance: Autosomal recessive inheritance. Affected: yes.

NM_000369.5(TSHR):c.*1417T>C

Genes: TSHR-AS1 (TSHR antisense RNA 1; minus strand), TSHR (thyroid stimulating hormone receptor; plus strand). Cytogenetic location: 14q31.1.
Variant type: single nucleotide variant.
Coding change: c.*1417T>C on transcript NM_000369.5 (MANE Select); 1417 bases downstream of the stop codon, T replaced by C.
Molecular consequence: 3 prime UTR variant.
Genome position (GRCh38, 1-based): chr14:81,145,770, T>C. VCF-style: chr14-81145770-T-C. GRCh37 (hg19) VCF-style: chr14-81612114-T-C.
Identifiers: ClinVar variation 314719 (VCV000314719.6), dbSNP rs2288496, ClinGen allele CA10646448.